The following is an entry in ClinVar:

NM_175914.5(HNF4A):c.224G>A (p.Arg75Lys)

Gene: HNF4A (hepatocyte nuclear factor 4 alpha; plus strand). Cytogenetic location: 20q13.12.
Variant type: single nucleotide variant.
Coding change: c.224G>A on transcript NM_175914.5 (MANE Select); coding-DNA position 224, G replaced by A.
Protein change: p.Arg75Lys; replaces arginine 75 with lysine.
Molecular consequence: missense variant.
Genome position (GRCh38, 1-based): chr20:44,406,232, G>A. VCF-style: chr20-44406232-G-A. GRCh37 (hg19) VCF-style: chr20-43034872-G-A.
Other names: NM_175914.5(HNF4A):c.224G>A; p.Arg75Lys; c.290G>A, p.Arg97Lys (NM_000457.6, NM_178849.3, NM_178850.3); c.224G>A, p.Arg75Lys (NM_001030003.3, NM_001030004.3); c.269G>A, p.Arg90Lys (NM_001258355.2); c.215G>A, p.Arg72Lys (NM_001287182.2, NM_001287183.2, NM_001287184.2); short protein forms R72K, R75K, R97K, R90K.
Identifiers: ClinVar variation 430844 (VCV000430844.6), dbSNP rs1131692187, ClinGen allele CA409104032.

ClinVar aggregate classification (germline): Likely pathogenic. Review status: reviewed by expert panel (3 of 4 stars). 3 submissions from 3 submitters: Likely pathogenic (1). 2 of the submissions do not count toward it. Last evaluated 2025-10-28.

Conditions:
Maturity-onset diabetes of the young type 1. Also called: MODY type 1; Diabetes mellitus MODY type 1; MODY HNF4A related; HNF4A-Related Maturity-Onset Diabetes of the Young Type 1; MILD JUVENILE DIABETES MELLITUS; MODY, type I. Identifiers: Orphanet 552, MedGen C1852093, MONDO:0007452, OMIM 125850. Disease mechanism: loss of function.
Monogenic diabetes. Identifiers: Orphanet 183625, MedGen C3888631, MONDO:0015967.
Maturity-onset diabetes of the young (MODY). Also called: Maturity onset diabetes mellitus in young. Identifiers: Orphanet 552, MedGen C0342276, MONDO:0018911, HP:0004904.

Submissions (3):

ClinGen Monogenic Diabetes Variant Curation Expert Panel
Classification: Likely pathogenic for Monogenic diabetes. Last evaluated: 2025-10-28. Review status: reviewed by expert panel. Criteria: ClinGen Diabetes ACMG Specifications HNF4A V4.0.0. Collection method: curation. Allele origin: germline. Inheritance: Autosomal dominant inheritance.
Comment: The c.224G>A variant in the hepatocyte nuclear factor 4-alpha gene, HNF4A, causes an amino acid change of arginine to lysine at codon 75 (p.Arg75Lys)) of NM_175914.5. This variant resides in an amino acid within the HNF4α DNA binding domain that are necessary for homodimer formation, which is defined as critical for the protein’s function by the ClinGen MDEP (PM1). This variant is predicted to be deleterious by computational evidence, with a REVEL score of 0.777, which is greater than the MDEP VCEP threshold of 0.70 (PP3). This variant is absent in gnomAD v2.1.1 (PM2_Supporting). This variant was identified in two unrelated individuals with non-autoimmune and non-absolute/near-absolute insulin-deficient diabetes; however, PS4_Moderate cannot be applied because this number is below the ClinGen MDEP threshold (ClinVar: 430844, internal lab contributors). One of these individuals did have a clinical history highly specific for HNF4A-monogenic diabetes (MODY probability calculator result >50%, negative genetic testing for HNF1A, and negative antibodies) (PP4_Moderate; internal lab contributors). In summary, c.224G>A meets the criteria to be classified as likely pathogenic for monogenic diabetes. ACMG/AMP criteria applied, as specified by the ClinGen MDEP (specification version 4.0.0, approved 10/10/2025): PM1, PP4_Moderate, PP3, PM2_Supporting.

Institute of Endocrinology, Diabetes & Metabolism, Max Healthcare Institute Ltd.
Classification: Uncertain significance for Maturity-onset diabetes of the young type 1. Last evaluated: 2017-06-28. Review status: criteria provided, single submitter. Criteria: Strand Lifesciences Variant Classification assertion criteria. Collection method: research. Allele origin: germline. Observed: 1 variant allele, 1 heterozygote. Not counted in ClinVar's aggregate classification.
Comment: This variant was present in the conserved region of the gene and predicted to be damaging by in silico analysis. This variant was present in the exon-intron boundary (exon-2) and showed mild effect on the splicing machinery. Variations in HNF4A gene have been shown to play a causative role in Maturity Onset Diabetes of the Young (MODY), late onset diabetes and beta cell dysfunction albeit at different amino acid positions when compared to the observed variant in the patient. This variant is not reported in public databases ExAC or 1000G, therefore it is considered novel. Role of HNF4A in the context of gestational diabetes is less clear and thus the observed novel variant was labelled as a VARIANT OF UNKNOWN SIGNIFICANCE (VUS).

Clinical Genomics, Uppaluri K&H Personalized Medicine Clinic
Classification: Likely pathogenic for Maturity-onset diabetes of the young. Review status: criteria provided, single submitter. Criteria: K & H Uppaluri Personalized Medicine Clinic Variant Classification & Assertion Criteria_Updated V.1. Collection method: research. Allele origin: unknown. Inheritance: Autosomal dominant inheritance. Not counted in ClinVar's aggregate classification.
Comment: Potent mutations in HNF4A are associated with poor insulin secretion in response to hyperglycemia. Associated with MODY1. Patients initially respond well to sulfonylureas but eventually become insulin dependent. However, more evidence is required to ascertain the role of this particular variant rs1131692187 in MODY, yet.

Literature cited by the submitters: DOI 10.1159/000334532 (cited by Clinical Genomics, Uppaluri K&H Personalized Medicine Clinic); PubMed 18268044 (cited by Clinical Genomics, Uppaluri K&H Personalized Medicine Clinic); PubMed 17563455 (cited by Clinical Genomics, Uppaluri K&H Personalized Medicine Clinic); PubMed 32583173 (cited by Clinical Genomics, Uppaluri K&H Personalized Medicine Clinic); PubMed 35052457 (cited by Clinical Genomics, Uppaluri K&H Personalized Medicine Clinic); PubMed 35118593 (cited by Clinical Genomics, Uppaluri K&H Personalized Medicine Clinic).